The following is an entry in ClinVar:

ClinVar aggregate classification (germline): Pathogenic/Likely pathogenic. Review status: criteria provided, multiple submitters, no conflicts (2 of 4 stars). 5 submissions from 5 submitters: Pathogenic (3); Likely pathogenic (1). 1 of the submissions does not count toward it. Last evaluated 2025-02-20.

Conditions:
Hyperphenylalaninemia due to tetrahydrobiopterin deficiency. Also called: BH4-Deficient Hyperphenylalaninemia; Tetrahydrobiopterin deficiency. Identifiers: Orphanet 238583, MedGen C0751436, MONDO:0016543.
Dihydropteridine reductase deficiency (HPABH4C). Also called: DHPR DEFICIENCY; QDPR DEFICIENCY; QUINOID DIHYDROPTERIDINE REDUCTASE DEFICIENCY; HYPERPHENYLALANINEMIA, TETRAHYDROBIOPTERIN-DEFICIENT, DUE TO DHPR DEFICIENCY; BH4-Deficient Hyperphenylalaninemia C; Phenylketonuria II. Identifiers: Orphanet 226, Orphanet 238583, MedGen C0268465, MONDO:0009862, OMIM 261630.

Allele frequency attached by ClinVar (database versions not stated): gnomAD 0.00001; TOPMed 0.00003.
gnomAD v4.1: 34 of 1,610,618 alleles (0.0021%); highest among the groups gnomAD compares: East Asian, 0.0045%; no homozygotes.

Submissions (5):

Labcorp Genetics (formerly Invitae), Labcorp
Classification: Pathogenic for Dihydropteridine reductase deficiency. Last evaluated: 2025-02-20. Review status: criteria provided, single submitter. Criteria: Invitae Variant Classification Sherloc (09022015). Collection method: clinical testing. Allele origin: germline.
Comment: This sequence change replaces glycine, which is neutral and non-polar, with aspartic acid, which is acidic and polar, at codon 23 of the QDPR protein (p.Gly23Asp). This variant is not present in population databases (gnomAD no frequency). This missense change has been observed in individual(s) with biopterin-deficient hyperphenylalaninemia (PMID: 8326489, 8518287, 27246466). ClinVar contains an entry for this variant (Variation ID: 490). An algorithm developed to predict the effect of missense changes on protein structure and function (PolyPhen-2) suggests that this variant is likely to be disruptive. Experimental studies have shown that this missense change affects QDPR function (PMID: 8518287). For these reasons, this variant has been classified as Pathogenic.

Fulgent Genetics
Classification: Pathogenic for Dihydropteridine reductase deficiency. Last evaluated: 2024-05-24. Review status: criteria provided, single submitter. Criteria: ACMG Guidelines, 2015. Collection method: clinical testing. Allele origin: germline.

Women's Health and Genetics/Laboratory Corporation of America, LabCorp
Classification: Pathogenic for Dihydropteridine reductase deficiency. Last evaluated: 2023-06-21. Review status: criteria provided, single submitter. Criteria: LabCorp Variant Classification Summary - May 2015. Collection method: clinical testing. Allele origin: germline.
Comment: Variant summary: QDPR c.68G>A (p.Gly23Asp) results in a non-conservative amino acid change to a highly conserved residue (HGMD) in the encoded protein sequence. Five of five in-silico tools predict a damaging effect of the variant on protein function. The variant was absent in 236940 control chromosomes (gnomAD). c.68G>A has been reported in the literature in multiple homozygous individuals affected with Dihydropteridine Reductase Deficiency (Dianzani_1998, Farrigua_2007), and at least one compound heterozygous individual with another pathogenic variant. These data indicate that the variant is very likely to be associated with disease. At least one publication reports experimental evidence evaluating an impact on protein function, finding a severe reduction in enzymatic activity in vitro (Zhang_1996). The following publications have been ascertained in the context of this evaluation (PMID: 9744478, 17188538). One submitter has cited a clinical-significance assessment for this variant to ClinVar after 2014 and classified it as likely pathogenic. Based on the evidence outlined above, the variant was classified as pathogenic.

Pediatrics, Sichuan Provincial Hospital For Women And Children
Classification: Likely pathogenic for Hyperphenylalaninemia due to tetrahydrobiopterin deficiency. Review status: criteria provided, single submitter. Criteria: ACMG Guidelines, 2015. Collection method: research. Allele origin: paternal. Affected: yes.

OMIM
Classification: Pathogenic for HYPERPHENYLALANINEMIA, BH4-DEFICIENT, C. Last evaluated: 1993-06-01. Review status: no assertion criteria provided. Collection method: literature only. Allele origin: germline. Not counted in ClinVar's aggregate classification.

Literature cited by the submitters: PubMed 8326489 (cited by Labcorp Genetics (formerly Invitae), Labcorp and OMIM); PubMed 8518287 (cited by Labcorp Genetics (formerly Invitae), Labcorp); PubMed 27246466 (cited by Labcorp Genetics (formerly Invitae), Labcorp); PubMed 9744478 (cited by Women's Health and Genetics/Laboratory Corporation of America, LabCorp); PubMed 17188538 (cited by Women's Health and Genetics/Laboratory Corporation of America, LabCorp).

NM_000320.3(QDPR):c.68G>A (p.Gly23Asp)

Genes: QDPR (quinoid dihydropteridine reductase; minus strand), LOC129992304 (ATAC-STARR-seq lymphoblastoid silent region 15310; plus strand). Cytogenetic location: 4p15.32.
Variant type: single nucleotide variant.
Coding change: c.68G>A on transcript NM_000320.3 (MANE Select); coding-DNA position 68, G replaced by A.
Protein change: p.Gly23Asp; replaces glycine 23 with aspartic acid.
Molecular consequence: missense variant. On other transcripts: non-coding transcript variant (1).
Genome position (GRCh38, 1-based): chr4:17,511,987, C>T on the plus strand (G>A on the coding strand, the complement: QDPR is on the minus strand). VCF-style: chr4-17511987-C-T. GRCh37 (hg19) VCF-style: chr4-17513610-C-T.
Other names: c.68G>A (NM_000320.2); c.68G>A, p.Gly23Asp (NM_001306140.2); short protein forms G23D.
Identifiers: ClinVar variation 490 (VCV000000490.8), dbSNP rs104893863, ClinGen allele CA114324.